The following is an entry in ClinVar:

ClinVar aggregate classification (germline): Uncertain significance (1 of 4 stars; one submission).

Conditions:
Epidermolysis bullosa simplex 5B, with muscular dystrophy (EBS5B). Also called: Epidermolysis bullosa simplex with muscular dystrophy; EPIDERMOLYSIS BULLOSA SIMPLEX AND LIMB-GIRDLE MUSCULAR DYSTROPHY. Identifiers: Orphanet 257, MedGen C2931072, MONDO:0009181, OMIM 226670.
Epidermolysis bullosa simplex 5C, with pyloric atresia (EBS5C). Also called: PLEC1-Related Epidermolysis Bullosa with Pyloric Atresia; PLEC-Related Epidermolysis Bullosa with Pyloric Atresia; Epidermolysis bullosa simplex with pyloric atresia. Identifiers: Orphanet 158684, MedGen C2677349, MONDO:0012807, OMIM 612138.
Autosomal recessive limb-girdle muscular dystrophy type 2Q (LGMDR17). Also called: MUSCULAR DYSTROPHY, LIMB-GIRDLE, AUTOSOMAL RECESSIVE 17. Identifiers: Orphanet 254361, MedGen C3150989, MONDO:0013390, OMIM 613723.
Epidermolysis bullosa simplex, Ogna type (EBS5A). Also called: Pidermolysis bullosa simplex 5A, Ogna type; EPIDERMOLYSIS BULLOSA SIMPLEX 5A, OGNA TYPE. Identifiers: Orphanet 79401, MedGen C0432317, MONDO:0007555, OMIM 131950.
Epidermolysis bullosa simplex with nail dystrophy (EBS5D). Identifiers: MedGen C4225309, MONDO:0014661, OMIM 616487.

Submission:

Labcorp Genetics (formerly Invitae), Labcorp
Classification: Uncertain significance for Autosomal recessive limb-girdle muscular dystrophy type 2Q; Epidermolysis bullosa simplex, Ogna type; Epidermolysis bullosa simplex with nail dystrophy; Epidermolysis bullosa simplex 5C, with pyloric atresia; Epidermolysis bullosa simplex 5B, with muscular dystrophy. Last evaluated: 2021-11-06. Review status: criteria provided, single submitter. Criteria: Invitae Variant Classification Sherloc (09022015). Collection method: clinical testing. Allele origin: germline.
Comment: This variant has not been reported in the literature in individuals affected with PLEC-related conditions. This variant is not present in population databases (gnomAD no frequency). This variant, c.3580_3591del, results in the deletion of 4 amino acid(s) of the PLEC protein (p.His1194_Arg1197del), but otherwise preserves the integrity of the reading frame. Experimental studies and prediction algorithms are not available or were not evaluated, and the functional significance of this variant is currently unknown. In summary, the available evidence is currently insufficient to determine the role of this variant in disease. Therefore, it has been classified as a Variant of Uncertain Significance.

NM_201384.3(PLEC):c.3499_3510del (p.His1167_Arg1170del)

Gene: PLEC (plectin; minus strand). Cytogenetic location: 8q24.3.
Variant type: Deletion.
Coding change: c.3499_3510del on transcript NM_201384.3 (MANE Select); coding-DNA positions 3499 to 3510, 12 bases deleted (CACGGGGAGCGG).
Protein change: p.His1167_Arg1170del.
Molecular consequence: inframe deletion.
Genome position (GRCh38, 1-based): chr8:143,927,656-143,927,667, CCGCTCCCCGTG deleted on the plus strand (CACGGGGAGCGG on the coding strand, the reverse complement: PLEC is on the minus strand); deleting any 12 consecutive bases within chr8:143,927,656-143,927,672 gives the same sequence; the c. name uses the placement nearest the transcript's 3' end. VCF-style (leftmost placement, unchanged base first): chr8-143927655-CCCGCTCCCCGTG-C. GRCh37 (hg19) VCF-style: chr8-145001823-CCCGCTCCCCGTG-C.
Other names: c.3580_3591del, p.His1194_Arg1197del (NM_000445.5); c.3457_3468del, p.His1153_Arg1156del (NM_201378.4); c.3433_3444del, p.His1145_Arg1148del (NM_201379.3); c.3910_3921del, p.His1304_Arg1307del (NM_201380.4); c.3403_3414del, p.His1135_Arg1138del (NM_201381.3); c.3499_3510del, p.His1167_Arg1170del (NM_201382.4); c.3511_3522del, p.His1171_Arg1174del (NM_201383.3).
Identifiers: ClinVar variation 1388058 (VCV001388058.6), dbSNP rs2131611646, ClinGen allele CA2573142889.